The following is an entry in ClinVar:

ClinVar aggregate classification (germline): Likely benign (1 of 4 stars; one submission).

Submission:

CeGaT Center for Human Genetics Tuebingen
Classification: Likely benign. Last evaluated: 2026-08-01. Review status: criteria provided, single submitter. Criteria: CeGaT Center For Human Genetics Tuebingen Variant Classification Criteria Version 2. Collection method: clinical testing. Allele origin: germline. Affected: yes. Observed: 4 variant alleles.
Comment: HCN1: BP4, BP7

NM_021072.4(HCN1):c.207C>T (p.Gly69=)

Gene: HCN1 (hyperpolarization activated cyclic nucleotide gated potassium channel 1; minus strand). Cytogenetic location: 5p12.
Variant type: single nucleotide variant.
Coding change: c.207C>T on transcript NM_021072.4 (MANE Select); coding-DNA position 207, C replaced by T.
Protein change: p.Gly69=; no amino-acid change (glycine 69 retained).
Molecular consequence: synonymous variant.
Genome position (GRCh38, 1-based): chr5:45,695,887, G>A on the plus strand (C>T on the coding strand, the complement: HCN1 is on the minus strand). VCF-style: chr5-45695887-G-A. GRCh37 (hg19) VCF-style: chr5-45695989-G-A.
Identifiers: ClinVar variation 4872123 (VCV004872123.2).
Genomic context (GRCh38, chr5:45,695,887, plus strand): 5'-CCGCCGGGGCCCCTCGGCGTCTTCGAAGCCCCCCGCCGGCTCCTCGCCGCCGCCGCCGCC[G>A]CCGCCACCGCCGCCACCGCCGTCCACCTTGAAGCACACGGAGTTGCCGTGCTCCTTCGCG-3'
Protein context (NP_066550.2, residues 59-79): FKVDGGGGGG[Gly69=]GGGGGEEPAG